The following is an entry in ClinVar:

ClinVar aggregate classification (germline): Likely pathogenic (1 of 4 stars; one submission).

Submission:

Labcorp Genetics (formerly Invitae), Labcorp
Classification: Likely pathogenic. Last evaluated: 2023-03-26. Review status: criteria provided, single submitter. Criteria: Invitae Variant Classification Sherloc (09022015). Collection method: clinical testing. Allele origin: germline.
Comment: This variant has not been reported in the literature in individuals affected with PEPD-related conditions. This variant is not present in population databases (gnomAD no frequency). This variant results in the deletion of part off exon 13 (c.968-2_980del) of the PEPD gene. It is expected to disrupt RNA splicing. Variants that disrupt the donor or acceptor splice site typically lead to a loss of protein function (PMID: 16199547), and loss-of-function variants in PEPD are known to be pathogenic (PMID: 8198124, 10721675, 12384772, 17142620). Algorithms developed to predict the effect of sequence changes on RNA splicing suggest that this variant may disrupt the consensus splice site. In summary, the currently available evidence indicates that the variant is pathogenic, but additional data are needed to prove that conclusively. Therefore, this variant has been classified as Likely Pathogenic.

Literature cited by the submitters: PubMed 16199547; PubMed 8198124; PubMed 10721675; PubMed 12384772; PubMed 17142620.

NM_000285.4(PEPD):c.968-2_980del

Gene: PEPD (peptidase D; minus strand). Cytogenetic location: 19q13.11.
Variant type: Deletion.
Coding change: c.968-2_980del on transcript NM_000285.4 (MANE Select); the canonical splice acceptor site of the intron before coding-DNA position 968 through coding-DNA position 980, 15 bases deleted (AGGTGTCTGGTGGCC).
Molecular consequence: splice acceptor variant.
Genome position (GRCh38, 1-based): chr19:33,391,467-33,391,481, GGCCACCAGACACCT deleted on the plus strand (AGGTGTCTGGTGGCC on the coding strand, the reverse complement: PEPD is on the minus strand); deleting any 15 consecutive bases within chr19:33,391,467-33,391,482 gives the same sequence; the c. name uses the placement nearest the transcript's 3' end. VCF-style (leftmost placement, unchanged base first): chr19-33391466-AGGCCACCAGACACCT-A. GRCh37 (hg19) VCF-style: chr19-33882372-AGGCCACCAGACACCT-A.
Other names: c.776-2_788del (NM_001166057.2); c.845-2_857del (NM_001166056.2).
Identifiers: ClinVar variation 2846898 (VCV002846898.3), dbSNP rs2513380789, ClinGen allele CA2739276644.